The following is an entry in ClinVar:

ClinVar aggregate classification (germline): Pathogenic. Review status: criteria provided, multiple submitters, no conflicts (2 of 4 stars). 2 submissions from 2 submitters: Pathogenic (2). Last evaluated 2026-02-20.

Conditions:
Retinoblastoma (RB1). Also called: RETINOBLASTOMA, SOMATIC. Identifiers: Orphanet 790, MedGen C0035335, MeSH D012175, MONDO:0008380, OMIM 180200, HP:0009919. Disease mechanism: loss of function. Inheritance: Both sporadic and heritable forms are tested..

Submissions (2):

St. Jude Molecular Pathology, St. Jude Children's Research Hospital
Classification: Pathogenic for Retinoblastoma. Last evaluated: 2026-02-20. Review status: criteria provided, single submitter. Criteria: St. Jude Assertion Criteria 2020. Collection method: clinical testing. Allele origin: germline.
Comment: The RB1 c.2094del p.(Arg698SerfsTer7) change deletes one nucleotide to cause a frameshift and the creation of a premature stop codon. Th is change is predicted to cause protein truncation or absence of protein due to nonsense-mediated decay. This variant has been reported in individuals with retinoblastoma (PMID: 39009069, internal data). This variant is also absent in gnomAD v2.1.1. In s ummary, this variant meets criteria to be classified as pathogenic.

Genetic Diagnostic Laboratory, University of Pennsylvania School of Medicine
Classification: Pathogenic for Retinoblastoma. Last evaluated: 2024-05-20. Review status: criteria provided, single submitter. Criteria: ACMG Guidelines, 2015. Collection method: clinical testing. Allele origin: germline. Affected: yes. Observed: 1 variant allele.
Comment: Case and Pedigree Information: BILATERAL CASES:1, UNILATERAL CASES:0, TOTAL CASES:1, PEDIGREES:1. ACMG Codes Applied:PVS1, PM2

NM_000321.3(RB1):c.2094del (p.Arg698fs)

Gene: RB1 (RB transcriptional corepressor 1; plus strand). Cytogenetic location: 13q14.2.
Variant type: Deletion.
Coding change: c.2094del on transcript NM_000321.3 (MANE Select); coding-DNA position 2094, one base deleted (G; older notation c.2094delG).
Protein change: p.Arg698fs; shifts the reading frame from arginine 698.
Molecular consequence: frameshift variant.
Genome position (GRCh38, 1-based): chr13:48,459,821, G deleted; the last of 2 consecutive G bases (chr13:48,459,820-48,459,821); deleting either gives the same sequence. VCF-style (leftmost placement, unchanged base first): chr13-48459819-AG-A. GRCh37 (hg19) VCF-style: chr13-49033955-AG-A.
Other names: c.2094del, p.Arg698fs (NM_001407165.1); c.2094del (NM_000321.2); short protein forms R698fs.
Identifiers: ClinVar variation 3237062 (VCV003237062.2), dbSNP rs2542368593.